The following is an entry in ClinVar:

NM_176787.5(PIGN):c.2443_2450del (p.Val815fs)

Gene: PIGN (phosphatidylinositol glycan anchor biosynthesis class N; minus strand). Cytogenetic location: 18q21.33.
Variant type: Deletion.
Coding change: c.2443_2450del on transcript NM_176787.5 (MANE Select); coding-DNA positions 2443 to 2450, 8 bases deleted (GTCTATTG; older notation c.2443_2450delGTCTATTG).
Protein change: p.Val815fs; shifts the reading frame from valine 815.
Molecular consequence: frameshift variant.
Genome position (GRCh38, 1-based): chr18:62,084,583-62,084,590, CAATAGAC deleted on the plus strand (GTCTATTG on the coding strand, the reverse complement: PIGN is on the minus strand). VCF-style (leftmost placement, unchanged base first): chr18-62084582-GCAATAGAC-G. GRCh37 (hg19) VCF-style: chr18-59751815-GCAATAGAC-G.
Other names: c.2443_2450del, p.Val815fs (NM_012327.6); short protein forms V815fs.
Identifiers: ClinVar variation 935812 (VCV000935812.7), dbSNP rs2033602281, ClinGen allele CA1139666150.

ClinVar aggregate classification (germline): Pathogenic (1 of 4 stars; one submission).

Conditions:
Multiple congenital anomalies-hypotonia-seizures syndrome 1 (MCAHS1). Also called: PIGN-CDG; Congenital disorder of glycosylation due to PIGN deficiency; GLYCOSYLPHOSPHATIDYLINOSITOL BIOSYNTHESIS DEFECT 3. Identifiers: Orphanet 280633, MedGen C3279775, MONDO:0013563, OMIM 614080.

Submission:

Labcorp Genetics (formerly Invitae), Labcorp
Classification: Pathogenic for Multiple congenital anomalies-hypotonia-seizures syndrome 1. Last evaluated: 2019-08-23. Review status: criteria provided, single submitter. Criteria: Invitae Variant Classification Sherloc (09022015). Collection method: clinical testing. Allele origin: germline.
Comment: For these reasons, this variant has been classified as Pathogenic. Loss-of-function variants in PIGN are known to be pathogenic (PMID: 24253414, 27038415). This variant has not been reported in the literature in individuals with PIGN-related conditions. This variant is not present in population databases (ExAC no frequency). This sequence change creates a premature translational stop signal (p.Val815Leufs*30) in the PIGN gene. It is expected to result in an absent or disrupted protein product.

Literature cited by the submitters: PubMed 24253414; PubMed 27038415.